The following is an entry in ClinVar:

ClinVar aggregate classification (germline): Uncertain significance (1 of 4 stars; one submission).

Conditions:
PCNT-related disorder. Also called: PCNT-related condition.

Submission:

PreventionGenetics, part of Exact Sciences
Classification: Uncertain significance for PCNT-related condition. Last evaluated: 2025-04-29. Review status: criteria provided, single submitter. Criteria: ACMG Guidelines, 2015. Collection method: clinical testing. Allele origin: germline.
Comment: The PCNT c.7654C>T variant is predicted to result in the amino acid substitution p.Arg2552Cys. To our knowledge, this variant has not been reported in the literature or in gnomAD, indicating this variant is rare. At this time, the clinical significance of this variant is uncertain due to the absence of conclusive functional and genetic evidence.

NM_006031.6(PCNT):c.7654C>T (p.Arg2552Cys)

Gene: PCNT (pericentrin; plus strand). Cytogenetic location: 21q22.3.
Variant type: single nucleotide variant.
Coding change: c.7654C>T on transcript NM_006031.6 (MANE Select); coding-DNA position 7654, C replaced by T.
Protein change: p.Arg2552Cys; replaces arginine 2552 with cysteine.
Molecular consequence: missense variant.
Genome position (GRCh38, 1-based): chr21:46,428,554, C>T. VCF-style: chr21-46428554-C-T. GRCh37 (hg19) VCF-style: chr21-47848468-C-T.
Other names: c.7300C>T, p.Arg2434Cys (NM_001315529.2); short protein forms R2434C, R2552C.
Identifiers: ClinVar variation 4989158 (VCV004989158.1).
Genomic context (GRCh38, chr21:46,428,554, plus strand): 5'-CACCTGCAGAACCAGGAGAAGCTGCAGCACTTGCGCACGGCGCTGACAAGCGCAGAGGCG[C>T]GCGGGAGCCAGCAGGAGCACCAGCTGCGCAGGCAGGGTGGGTGTCACTGTCTACACTGCC-3'
Protein context (NP_006022.3, residues 2542-2562): LRTALTSAEA[Arg2552Cys]GSQQEHQLRR